The following is an entry in ClinVar:

NM_001167623.2(CACNA1C):c.1129G>A (p.Gly377Ser)

Gene: CACNA1C (calcium voltage-gated channel subunit alpha1 C; plus strand). Cytogenetic location: 12p13.33.
Variant type: single nucleotide variant.
Coding change: c.1129G>A on transcript NM_001167623.2 (MANE Plus Clinical); coding-DNA position 1129, G replaced by A.
Protein change: p.Gly377Ser; replaces glycine 377 with serine.
Molecular consequence: missense variant. On other transcripts: intron variant (19).
Genome position (GRCh38, 1-based): chr12:2,504,451, G>A. VCF-style: chr12-2504451-G-A. GRCh37 (hg19) VCF-style: chr12-2613617-G-A.
Other names: c.1129G>A, p.Gly377Ser (NM_001129840.2, NM_001167624.3, NM_001167625.2); c.1114-391G>A (NM_199460.4, NM_001129834.2, NM_000719.7 and 15 more transcripts); c.1105-391G>A (NM_001129844.2); short protein forms G377S.
Identifiers: ClinVar variation 3655765 (VCV003655765.2).

ClinVar aggregate classification (germline): Uncertain significance (1 of 4 stars; one submission).

Conditions:
Long QT syndrome (LQTS). Identifiers: MedGen C0023976, MeSH D008133, MONDO:0002442. Disease mechanism: loss of function. Inheritance: Various modes of inheritance.

gnomAD v4.1: 1 of 1,601,346 alleles (0.000062%); highest among the groups gnomAD compares: Non-Finnish European, 0.000086%; no homozygotes.

Submission:

Labcorp Genetics (formerly Invitae), Labcorp
Classification: Uncertain significance for Long QT syndrome. Last evaluated: 2024-06-06. Review status: criteria provided, single submitter. Criteria: Invitae Variant Classification Sherloc (09022015). Collection method: clinical testing. Allele origin: germline.
Comment: The CACNA1C gene has multiple clinically relevant transcripts. This variant occurs in alternate transcript NM_001129840.1, and corresponds to NM_000719.6:c.1114-391G>A in the primary transcript. This sequence change replaces glycine, which is neutral and non-polar, with serine, which is neutral and polar, at codon 377 of the CACNA1C protein (p.Gly377Ser). This variant is not present in population databases (gnomAD no frequency). This variant has not been reported in the literature in individuals affected with CACNA1C-related conditions. Experimental studies and prediction algorithms are not available or were not evaluated, and the functional significance of this variant is currently unknown. In summary, the available evidence is currently insufficient to determine the role of this variant in disease. Therefore, it has been classified as a Variant of Uncertain Significance.